The following is an entry in ClinVar:

NM_006939.4(SOS2):c.3604A>G (p.Ser1202Gly)

Gene: SOS2 (SOS Ras/Rho guanine nucleotide exchange factor 2; minus strand). Cytogenetic location: 14q21.3.
Variant type: single nucleotide variant.
Coding change: c.3604A>G on transcript NM_006939.4 (MANE Select); coding-DNA position 3604, A replaced by G.
Protein change: p.Ser1202Gly; replaces serine 1202 with glycine.
Molecular consequence: missense variant.
Genome position (GRCh38, 1-based): chr14:50,118,739, T>C on the plus strand (A>G on the coding strand, the complement: SOS2 is on the minus strand). VCF-style: chr14-50118739-T-C. GRCh37 (hg19) VCF-style: chr14-50585457-T-C.
Other names: c.3505A>G, p.Ser1169Gly (NM_001411020.1); short protein forms S1169G, S1202G.
Identifiers: ClinVar variation 2444865 (VCV002444865.2), dbSNP rs1272391524, ClinGen allele CA389638583.

ClinVar aggregate classification (germline): Uncertain significance (1 of 4 stars; one submission).

Conditions:
Noonan syndrome 9 (NS9). Identifiers: Orphanet 648, MedGen C4225282, MONDO:0014691, OMIM 616559.

Allele frequency attached by ClinVar (database versions not stated): gnomAD exomes below 0.00001.
gnomAD v4.1: 1 of 1,611,670 alleles (0.000062%); highest among the groups gnomAD compares: Admixed American, 0.0017%; no homozygotes.

Submission:

St. Jude Molecular Pathology, St. Jude Children's Research Hospital
Classification: Uncertain significance for Noonan syndrome 9. Last evaluated: 2026-02-11. Review status: criteria provided, single submitter. Criteria: St. Jude Assertion Criteria 2020. Collection method: clinical testing. Allele origin: germline.
Comment: The SOS2 c.3604A>G p.(Ser1202Gly) missense change has a maximum subpopulation frequency of 0.0029% in gnomAD v2.1.1. The in silico tool REVEL is inconclusive about a pathogenic or benign effect of this variant on protein function, and to our knowledge functional studies have not been performed. To our knowledge, this variant has not been reported in individuals with Noonan syndrome. In summary, the evidence currently available is insufficient to determine the clinical significance of this variant. It has therefore been classified as of uncertain significance.